The following is an entry in ClinVar:

ClinVar aggregate classification (germline): Uncertain significance (1 of 4 stars; one submission).

Conditions:
Congenital myasthenic syndrome 8. Also called: MYASTHENIC SYNDROME, CONGENITAL, DUE TO AGRIN DEFICIENCY; Myasthenic syndrome, congenital, 8, with pre- and postsynaptic defects. Identifiers: Orphanet 590, MedGen C3808739, MONDO:0014052, OMIM 615120.

Allele frequency attached by ClinVar (database versions not stated): gnomAD exomes 0.00007 and 0.00012; gnomAD 0.00010; ExAC 0.00014; ESP Exome Variant Server 0.00038; TOPMed 0.00038.
gnomAD v4.1: 153 of 1,612,600 alleles (0.0095%); highest among the groups gnomAD compares: African/African-American, 0.12%; 1 homozygote.

Submission:

Labcorp Genetics (formerly Invitae), Labcorp
Classification: Uncertain significance for Congenital myasthenic syndrome 8. Last evaluated: 2024-09-23. Review status: criteria provided, single submitter. Criteria: Invitae Variant Classification Sherloc (09022015). Collection method: clinical testing. Allele origin: germline.
Comment: This sequence change falls in intron 28 of the AGRN gene. It does not directly change the encoded amino acid sequence of the AGRN protein. It affects a nucleotide within the consensus splice site. This variant is present in population databases (rs113681205, gnomAD 0.08%). This variant has not been reported in the literature in individuals affected with AGRN-related conditions. ClinVar contains an entry for this variant (Variation ID: 582123). Variants that disrupt the consensus splice site are a relatively common cause of aberrant splicing (PMID: 17576681, 9536098). Algorithms developed to predict the effect of sequence changes on RNA splicing suggest that this variant is not likely to affect RNA splicing. In summary, the available evidence is currently insufficient to determine the role of this variant in disease. Therefore, it has been classified as a Variant of Uncertain Significance.

Literature cited by the submitters: PubMed 17576681; PubMed 9536098.

NM_198576.4(AGRN):c.4976+3C>T

Gene: AGRN (agrin; plus strand). Cytogenetic location: 1p36.33.
Variant type: single nucleotide variant.
Coding change: c.4976+3C>T on transcript NM_198576.4 (MANE Select); 3 bases into the intron after coding-DNA position 4976, C replaced by T.
Molecular consequence: intron variant.
Genome position (GRCh38, 1-based): chr1:1,050,332, C>T. VCF-style: chr1-1050332-C-T. GRCh37 (hg19) VCF-style: chr1-985712-C-T.
Other names: c.4976+3C>T (NM_001305275.2); c.4661+3C>T (NM_001364727.2).
Identifiers: ClinVar variation 582123 (VCV000582123.7), dbSNP rs113681205, ClinGen allele CA509782.